The following is an entry in ClinVar:

ClinVar aggregate classification (germline): Uncertain significance (1 of 4 stars; one submission).

Submission:

GeneDx
Classification: Uncertain significance. Last evaluated: 2023-06-05. Review status: criteria provided, single submitter. Criteria: GeneDx Variant Classification Process June 2021. Collection method: clinical testing. Allele origin: germline. Affected: yes.
Comment: In-frame deletion of 5 amino acids in a non-repeat region; Not observed at significant frequency in large population cohorts (gnomAD); In silico analysis supports a deleterious effect on protein structure/function; Has not been previously published as pathogenic or benign to our knowledge

NM_001369369.1(FOXN1):c.943_957del (p.Trp315_Val319del)

Gene: FOXN1 (forkhead box N1; plus strand). Cytogenetic location: 17q11.2.
Variant type: Deletion.
Coding change: c.943_957del on transcript NM_001369369.1 (MANE Select); coding-DNA positions 943 to 957, 15 bases deleted (TGGAAGAATTCTGTC).
Protein change: p.Trp315_Val319del.
Molecular consequence: inframe indel (on NM_003593.2).
Genome position (GRCh38, 1-based): chr17:28,534,346-28,534,360, TGGAAGAATTCTGTC deleted; deleting any 15 consecutive bases within chr17:28,534,345-28,534,360 gives the same sequence; the c. name uses the placement nearest the transcript's 3' end. VCF-style (leftmost placement, unchanged base first): chr17-28534344-GCTGGAAGAATTCTGT-G. GRCh37 (hg19) VCF-style: chr17-26861362-GCTGGAAGAATTCTGT-G.
Other names: c.943_957delTGGAAGAATTCTGTC, p.Trp315_Val319del (NM_003593.2); c.943_957del, p.Trp315_Val319del (NM_003593.3).
Identifiers: ClinVar variation 3362112 (VCV003362112.1).